The following is an entry in ClinVar:

ClinVar aggregate classification (germline): Conflicting classifications of pathogenicity. Review status: criteria provided, conflicting classifications (1 of 4 stars). 2 submissions from 2 submitters: Uncertain significance (1); Benign (1). Last evaluated 2025-06-04.

Conditions:
KMT2D-related disorder. Also called: KMT2D-Related Disorders.
Kabuki syndrome. Also called: Kabuki make-up syndrome; NIIKAWA-KUROKI SYNDROME. Identifiers: Orphanet 2322, MedGen C0796004, MONDO:0016512.

Allele frequency attached by ClinVar (database versions not stated): gnomAD exomes 0.00001; ExAC 0.00002.
gnomAD v4.1: 15 of 1,604,348 alleles (0.00093%); highest among the groups gnomAD compares: Non-Finnish European, 0.0011%; no homozygotes.

Submissions (2):

Labcorp Genetics (formerly Invitae), Labcorp
Classification: Benign for Kabuki syndrome. Last evaluated: 2025-06-04. Review status: criteria provided, single submitter. Criteria: Invitae Variant Classification Sherloc (09022015). Collection method: clinical testing. Allele origin: germline.

PreventionGenetics, part of Exact Sciences
Classification: Uncertain significance for KMT2D-related condition. Last evaluated: 2025-02-03. Review status: criteria provided, single submitter. Criteria: ACMG Guidelines, 2015. Collection method: clinical testing. Allele origin: germline.
Comment: The KMT2D c.3032C>T variant is predicted to result in the amino acid substitution p.Pro1011Leu. To our knowledge, this variant has not been reported in the literature. This variant is reported in 0.0024% of alleles in individuals of European (Non-Finnish) descent in gnomAD. At this time, the clinical significance of this variant is uncertain due to the absence of conclusive functional and genetic evidence.

NM_003482.4(KMT2D):c.3032C>T (p.Pro1011Leu)

Gene: KMT2D (lysine methyltransferase 2D; minus strand). Cytogenetic location: 12q13.12.
Variant type: single nucleotide variant.
Coding change: c.3032C>T on transcript NM_003482.4 (MANE Select); coding-DNA position 3032, C replaced by T.
Protein change: p.Pro1011Leu; replaces proline 1011 with leucine.
Molecular consequence: missense variant.
Genome position (GRCh38, 1-based): chr12:49,050,556, G>A on the plus strand (C>T on the coding strand, the complement: KMT2D is on the minus strand). VCF-style: chr12-49050556-G-A. GRCh37 (hg19) VCF-style: chr12-49444339-G-A.
Other names: c.3032C>T (NM_003482.3); short protein forms P1011L.
Identifiers: ClinVar variation 1432563 (VCV001432563.7), dbSNP rs760253122, ClinGen allele CA6548133.